The following is an entry in ClinVar:

ClinVar aggregate classification (germline): Pathogenic (1 of 4 stars; one submission).

Submission:

Labcorp Genetics (formerly Invitae), Labcorp
Classification: Pathogenic. Last evaluated: 2020-11-01. Review status: criteria provided, single submitter. Criteria: Invitae Variant Classification Sherloc (09022015). Collection method: clinical testing. Allele origin: germline.
Comment: For these reasons, this variant has been classified as Pathogenic. Algorithms developed to predict the effect of sequence changes on RNA splicing suggest that this variant may disrupt the consensus splice site, but this prediction has not been confirmed by published transcriptional studies. This variant has not been reported in the literature in individuals with ESCO2-related conditions. This variant is not present in population databases (ExAC no frequency). This sequence change creates a premature translational stop signal (p.Asp288Glyfs*5) in the ESCO2 gene. It is expected to result in an absent or disrupted protein product. Loss-of-function variants in ESCO2 are known to be pathogenic (PMID: 15821733, 16380922).

Literature cited by the submitters: PubMed 15821733; PubMed 16380922.

NM_001017420.3(ESCO2):c.861+1dup

Gene: ESCO2 (establishment of sister chromatid cohesion N-acetyltransferase 2; plus strand). Cytogenetic location: 8p21.1.
Variant type: Duplication.
Coding change: c.861+1dup on transcript NM_001017420.3 (MANE Select); the canonical splice donor site of the intron after coding-DNA position 861, one base duplicated (G; older notation c.861+1dupG).
Molecular consequence: splice donor variant.
Genome position (GRCh38, 1-based): chr8:27,777,170, G duplicated; the last of 2 consecutive G bases (chr8:27,777,169-27,777,170); duplicating either gives the same sequence. VCF-style (leftmost placement, unchanged base first): chr8-27777168-A-AG. GRCh37 (hg19) VCF-style: chr8-27634685-A-AG.
Identifiers: ClinVar variation 1391159 (VCV001391159.6), dbSNP rs2128951366, ClinGen allele CA2573142791.